The following is an entry in ClinVar:

NM_001002755.4(NFU1):c.283T>C (p.Phe95Leu)

Gene: NFU1 (NFU1 iron-sulfur cluster scaffold; minus strand). Cytogenetic location: 2p13.3.
Variant type: single nucleotide variant.
Coding change: c.283T>C on transcript NM_001002755.4 (MANE Select); coding-DNA position 283, T replaced by C.
Protein change: p.Phe95Leu; replaces phenylalanine 95 with leucine.
Molecular consequence: missense variant. On other transcripts: intron variant (1).
Genome position (GRCh38, 1-based): chr2:69,423,601, A>G on the plus strand (T>C on the coding strand, the complement: NFU1 is on the minus strand). VCF-style: chr2-69423601-A-G. GRCh37 (hg19) VCF-style: chr2-69650733-A-G.
Other names: c.211T>C, p.Phe71Leu (NM_001374284.1, NM_015700.4); c.-121-3997T>C (NM_001002756.2); c.283T>C (NM_001002755.1); short protein forms F71L, F95L.
Identifiers: ClinVar variation 2161760 (VCV002161760.5), dbSNP rs1673339978, ClinGen allele CA347129572.

ClinVar aggregate classification (germline): Uncertain significance. Review status: criteria provided, multiple submitters, no conflicts (2 of 4 stars). 2 submissions from 2 submitters: Uncertain significance (2). Last evaluated 2025-05-01.

Conditions:
Inborn genetic diseases. Identifiers: MedGen C0950123, MeSH D030342.
Multiple mitochondrial dysfunctions syndrome 1 (MMDS1). Identifiers: Orphanet 401869, MedGen C3276432, MONDO:0011582, OMIM 605711.

Allele frequency attached by ClinVar (database versions not stated): gnomAD exomes below 0.00001; TOPMed below 0.00001; gnomAD 0.00001.
gnomAD v4.1: 5 of 1,613,612 alleles (0.00031%); highest among the groups gnomAD compares: Middle Eastern, 0.017%; no homozygotes.

Submissions (2):

Ambry Genetics
Classification: Uncertain significance for Inborn genetic diseases. Last evaluated: 2025-05-01. Review status: criteria provided, single submitter. Criteria: Ambry Variant Classification Scheme 2023. Collection method: clinical testing. Allele origin: germline.

Labcorp Genetics (formerly Invitae), Labcorp
Classification: Uncertain significance for Multiple mitochondrial dysfunctions syndrome 1. Last evaluated: 2022-08-01. Review status: criteria provided, single submitter. Criteria: Invitae Variant Classification Sherloc (09022015). Collection method: clinical testing. Allele origin: germline.
Comment: In summary, the available evidence is currently insufficient to determine the role of this variant in disease. Therefore, it has been classified as a Variant of Uncertain Significance. Algorithms developed to predict the effect of missense changes on protein structure and function (SIFT, PolyPhen-2, Align-GVGD) all suggest that this variant is likely to be tolerated. This variant has not been reported in the literature in individuals affected with NFU1-related conditions. This variant is not present in population databases (gnomAD no frequency). This sequence change replaces phenylalanine, which is neutral and non-polar, with leucine, which is neutral and non-polar, at codon 95 of the NFU1 protein (p.Phe95Leu).